The following is an entry in ClinVar:

NM_004168.4(SDHA):c.1304T>C (p.Leu435Pro)

Gene: SDHA (succinate dehydrogenase complex flavoprotein subunit A; plus strand). Cytogenetic location: 5p15.33.
Variant type: single nucleotide variant.
Coding change: c.1304T>C on transcript NM_004168.4 (MANE Select); coding-DNA position 1304, T replaced by C.
Protein change: p.Leu435Pro; replaces leucine 435 with proline.
Molecular consequence: missense variant.
Genome position (GRCh38, 1-based): chr5:236,471, T>C. VCF-style: chr5-236471-T-C. GRCh37 (hg19) VCF-style: chr5-236586-T-C.
Other names: c.1160T>C, p.Leu387Pro (NM_001294332.2); c.1304T>C, p.Leu435Pro (NM_001330758.2); short protein forms L387P, L435P.
Identifiers: ClinVar variation 1381390 (VCV001381390.8), dbSNP rs1579409500, ClinGen allele CA359013887.

ClinVar aggregate classification (germline): Uncertain significance (1 of 4 stars; one submission).

Conditions:
Mitochondrial complex II deficiency, nuclear type 1. Also called: SUCCINATE CoQ REDUCTASE DEFICIENCY. Identifiers: Orphanet 3208, MedGen C5700310, MONDO:0100294, OMIM 252011.
Pheochromocytoma/paraganglioma syndrome 5. Also called: Paragangliomas 5; SDHA-Related Hereditary Paraganglioma-Pheochromocytoma Syndrome. Identifiers: Orphanet 29072, MedGen C3279992, MONDO:0013602, OMIM 614165.

Submission:

Labcorp Genetics (formerly Invitae), Labcorp
Classification: Uncertain significance for Pheochromocytoma/paraganglioma syndrome 5; Mitochondrial complex II deficiency, nuclear type 1. Last evaluated: 2021-03-24. Review status: criteria provided, single submitter. Criteria: Invitae Variant Classification Sherloc (09022015). Collection method: clinical testing. Allele origin: germline.
Comment: This variant is not present in population databases (ExAC no frequency). This sequence change replaces leucine with proline at codon 435 of the SDHA protein (p.Leu435Pro). The leucine residue is highly conserved and there is a moderate physicochemical difference between leucine and proline. This variant has not been reported in the literature in individuals with SDHA-related conditions. In summary, the available evidence is currently insufficient to determine the role of this variant in disease. Therefore, it has been classified as a Variant of Uncertain Significance. Advanced modeling of protein sequence and biophysical properties (such as structural, functional, and spatial information, amino acid conservation, physicochemical variation, residue mobility, and thermodynamic stability) performed at Invitae indicates that this missense variant is expected to disrupt SDHA protein function.